The following is an entry in ClinVar:

NR_003255.2(TSIX):n.34874_34875del

Genes: TSIX (TSIX transcript, XIST antisense RNA; plus strand), XIST (X inactive specific transcript; minus strand). Cytogenetic location: Xq13.2.
Variant type: Deletion.
Molecular consequence: non-coding transcript variant (on NR_003255.2).
Genome position: GRCh38 VCF-style: chrX-73827076-ATC-A. GRCh37 (hg19) VCF-style: chrX-73046911-ATC-A.
Identifiers: ClinVar variation 3042415 (VCV003042415.2), dbSNP rs780559691, ClinGen allele CA10452392.
Genomic context (GRCh38, chrX:73,827,076, plus strand): 5'-TTCTATCTATCTTGGAACATGGGCTTTCCATCTTAGTCCTCGGGTCTCAAGTCTCAAACC[ATC>A]TGTCTTATACTTTGGGCCTTCTATCCATATGAGCCTTCCACCTTCTGCCCTACTTGAGTT-3'

ClinVar aggregate classification (germline): Likely benign (0 of 4 stars; one submission).

Conditions:
TSIX-related disorder. Also called: TSIX-related condition.

Submission:

PreventionGenetics, part of Exact Sciences
Classification: Likely benign for TSIX-related condition. Last evaluated: 2019-06-26. Review status: no assertion criteria provided. Collection method: clinical testing. Allele origin: germline.
Comment: This variant is classified as likely benign based on ACMG/AMP sequence variant interpretation guidelines (Richards et al. 2015 PMID: 25741868, with internal and published modifications).